The following is an entry in ClinVar:

ClinVar aggregate classification (germline): Uncertain significance. Review status: criteria provided, multiple submitters, no conflicts (2 of 4 stars). 2 submissions from 2 submitters: Uncertain significance (2). Last evaluated 2023-11-08.

Conditions:
Myopathy, proximal, and ophthalmoplegia (CMYO6). Also called: CONGENITAL MYOPATHY 6 WITH OPHTHALMOPLEGIA; INCLUSION BODY MYOPATHY 3, AUTOSOMAL DOMINANT; MYOPATHY WITH CONGENITAL JOINT CONTRACTURES, OPHTHALMOPLEGIA, AND RIMMED VACUOLES. Identifiers: Orphanet 363677, Orphanet 79091, MedGen C1854106, MONDO:0011577, OMIM 605637.

Allele frequency attached by ClinVar (database versions not stated): ExAC 0.00002; gnomAD exomes 0.00002; TOPMed 0.00003; gnomAD 0.00004; 1000 Genomes Project 30x 0.00016; 1000 Genomes Project 0.00020.
gnomAD v4.1: 15 of 1,614,012 alleles (0.00093%); highest among the groups gnomAD compares: Admixed American, 0.0033%; no homozygotes.

Submissions (2):

Labcorp Genetics (formerly Invitae), Labcorp
Classification: Uncertain significance for Myopathy, proximal, and ophthalmoplegia. Last evaluated: 2023-11-08. Review status: criteria provided, single submitter. Criteria: Invitae Variant Classification Sherloc (09022015). Collection method: clinical testing. Allele origin: germline.
Comment: This sequence change replaces arginine, which is basic and polar, with tryptophan, which is neutral and slightly polar, at codon 1931 of the MYH2 protein (p.Arg1931Trp). This variant is present in population databases (rs544066673, gnomAD 0.006%). This variant has not been reported in the literature in individuals affected with MYH2-related conditions. ClinVar contains an entry for this variant (Variation ID: 1343843). Advanced modeling of protein sequence and biophysical properties (such as structural, functional, and spatial information, amino acid conservation, physicochemical variation, residue mobility, and thermodynamic stability) performed at Invitae indicates that this missense variant is expected to disrupt MYH2 protein function with a positive predictive value of 80%. In summary, the available evidence is currently insufficient to determine the role of this variant in disease. Therefore, it has been classified as a Variant of Uncertain Significance.

GeneDx
Classification: Uncertain significance. Last evaluated: 2022-03-14. Review status: criteria provided, single submitter. Criteria: GeneDx Variant Classification Process June 2021. Collection method: clinical testing. Allele origin: germline. Affected: yes.
Comment: Not observed at significant frequency in large population cohorts (gnomAD); In silico analysis supports that this missense variant has a deleterious effect on protein structure/function; Has not been previously published as pathogenic or benign to our knowledge

NM_017534.6(MYH2):c.5791C>T (p.Arg1931Trp)

Genes: MYH2 (myosin heavy chain 2; minus strand), MYHAS (myosin heavy chain gene cluster antisense RNA; plus strand). Cytogenetic location: 17p13.1.
Variant type: single nucleotide variant.
Coding change: c.5791C>T on transcript NM_017534.6 (MANE Select); coding-DNA position 5791, C replaced by T.
Protein change: p.Arg1931Trp; replaces arginine 1931 with tryptophan.
Molecular consequence: missense variant.
Genome position (GRCh38, 1-based): chr17:10,521,315, G>A on the plus strand (C>T on the coding strand, the complement: MYH2 is on the minus strand). VCF-style: chr17-10521315-G-A. GRCh37 (hg19) VCF-style: chr17-10424632-G-A.
Other names: c.5791C>T, p.Arg1931Trp (NM_001100112.2); short protein forms R1931W.
Identifiers: ClinVar variation 1343843 (VCV001343843.5), dbSNP rs544066673, ClinGen allele CA8390307.